The following is an entry in ClinVar:

ClinVar aggregate classification (germline): Conflicting classifications of pathogenicity. Review status: criteria provided, conflicting classifications (1 of 4 stars). 3 submissions from 3 submitters: Uncertain significance (2); Likely benign (1). Last evaluated 2020-07-10.

Conditions:
Dilated cardiomyopathy 1G (CMD1G). Identifiers: Orphanet 154, MedGen C1858763, MONDO:0011400, OMIM 604145.
Autosomal recessive limb-girdle muscular dystrophy type 2J (LGMDR10). Also called: Limb-girdle muscular dystrophy, type 2J; MUSCULAR DYSTROPHY, LIMB-GIRDLE, AUTOSOMAL RECESSIVE 10. Identifiers: Orphanet 140922, MedGen C1837342, MONDO:0012127, OMIM 608807.
Cardiovascular phenotype. Identifiers: MedGen CN230736.

Allele frequency attached by ClinVar (database versions not stated): gnomAD 0.00005 and 0.00004; ESP Exome Variant Server 0.00008; gnomAD exomes 0.00002 and 0.00003; TOPMed 0.00002; ExAC 0.00004.
gnomAD v4.1: 40 of 1,613,554 alleles (0.0025%); highest among the groups gnomAD compares: Middle Eastern, 0.017%; no homozygotes.

Submissions (3):

GeneDx
Classification: Likely benign. Last evaluated: 2020-07-10. Review status: criteria provided, single submitter. Criteria: GeneDx Variant Classification Process June 2021. Collection method: clinical testing. Allele origin: germline. Affected: yes.

Ambry Genetics
Classification: Uncertain significance for Cardiovascular phenotype. Last evaluated: 2019-10-18. Review status: criteria provided, single submitter. Criteria: Ambry Variant Classification Scheme 2023. Collection method: clinical testing. Allele origin: germline.
Comment: The p.R23012Q variant (also known as c.69035G>A), located in coding exon 173 of the TTN gene, results from a G to A substitution at nucleotide position 69035. The arginine at codon 23012 is replaced by glutamine, an amino acid with highly similar properties. This amino acid position is highly conserved in available vertebrate species. In addition, this alteration is predicted to be tolerated by in silico analysis. Since supporting evidence is limited at this time, the clinical significance of this alteration remains unclear.

Labcorp Genetics (formerly Invitae), Labcorp
Classification: Uncertain significance for Dilated cardiomyopathy 1G; Autosomal recessive limb-girdle muscular dystrophy type 2J. Last evaluated: 2016-12-05. Review status: criteria provided, single submitter. Criteria: Invitae Variant Classification Sherloc (09022015). Collection method: clinical testing. Allele origin: germline.

NM_001267550.2(TTN):c.96230G>A (p.Arg32077Gln)

Genes: TTN-AS1 (TTN antisense RNA 1; plus strand), TTN (titin; minus strand), LOC126806421 (CDK7 strongly-dependent group 2 enhancer GRCh37_chr2:179407630-179408829; plus strand). Cytogenetic location: 2q31.2.
Variant type: single nucleotide variant.
Coding change: c.96230G>A on transcript NM_001267550.2 (MANE Select); coding-DNA position 96230, G replaced by A.
Protein change: p.Arg32077Gln; replaces arginine 32077 with glutamine.
Molecular consequence: missense variant.
Genome position (GRCh38, 1-based): chr2:178,543,914, C>T on the plus strand (G>A on the coding strand, the complement: TTN is on the minus strand). VCF-style: chr2-178543914-C-T. GRCh37 (hg19) VCF-style: chr2-179408641-C-T.
Other names: c.91307G>A, p.Arg30436Gln (NM_001256850.1); c.69035G>A, p.Arg23012Gln (NM_003319.4); c.88526G>A, p.Arg29509Gln (NM_133378.4); c.69410G>A, p.Arg23137Gln (NM_133432.3); c.69611G>A, p.Arg23204Gln (NM_133437.4); short protein forms R32077Q, R23012Q, R23204Q, R23137Q, R29509Q, R30436Q.
Identifiers: ClinVar variation 404689 (VCV000404689.9), dbSNP rs369835255, ClinGen allele CA1986795.